The following is an entry in ClinVar:

NM_001378120.1(MBD5):c.5083A>G (p.Met1695Val)

Gene: MBD5 (methyl-CpG binding domain protein 5; plus strand). Cytogenetic location: 2q23.1.
Variant type: single nucleotide variant.
Coding change: c.5083A>G on transcript NM_001378120.1 (MANE Select); coding-DNA position 5083, A replaced by G.
Protein change: p.Met1695Val; replaces methionine 1695 with valine.
Molecular consequence: missense variant.
Genome position (GRCh38, 1-based): chr2:148,510,106, A>G. VCF-style: chr2-148510106-A-G. GRCh37 (hg19) VCF-style: chr2-149267675-A-G.
Other names: c.4384A>G, p.Met1462Val (NM_018328.5); short protein forms M1462V, M1695V.
Identifiers: ClinVar variation 3343950 (VCV003343950.3).

ClinVar aggregate classification (germline): Uncertain significance. Review status: criteria provided, multiple submitters, no conflicts (2 of 4 stars). 2 submissions from 2 submitters: Uncertain significance (2). Last evaluated 2025-10-02.

Conditions:
Inborn genetic diseases. Identifiers: MedGen C0950123, MeSH D030342.

Submissions (2):

Ambry Genetics
Classification: Uncertain significance for Inborn genetic diseases. Last evaluated: 2025-10-02. Review status: criteria provided, single submitter. Criteria: Ambry Variant Classification Scheme 2023. Collection method: clinical testing. Allele origin: germline.

GeneDx
Classification: Uncertain significance. Last evaluated: 2025-04-07. Review status: criteria provided, single submitter. Criteria: GeneDx Variant Classification Process June 2021. Collection method: clinical testing. Allele origin: germline.
Comment: Observed in a patient in a large cohort of rare disease patients who underwent whole genome sequencing; however no patient specific details or segregation was specified in this report (PMID: 33726816); Not observed at significant frequency in large population cohorts (gnomAD); In silico analysis supports that this missense variant does not alter protein structure/function; This variant is associated with the following publications: (PMID: 33726816)